The following is an entry in ClinVar:

ClinVar aggregate classification (germline): Pathogenic (1 of 4 stars; one submission).

Submission:

Labcorp Genetics (formerly Invitae), Labcorp
Classification: Pathogenic. Last evaluated: 2023-04-12. Review status: criteria provided, single submitter. Criteria: Invitae Variant Classification Sherloc (09022015). Collection method: clinical testing. Allele origin: germline.
Comment: This sequence change creates a premature translational stop signal (p.Lys529*) in the DUOX2 gene. It is expected to result in an absent or disrupted protein product. Loss-of-function variants in DUOX2 are known to be pathogenic (PMID: 12110737, 18765513, 21565790, 24423310, 24735383). For these reasons, this variant has been classified as Pathogenic. Algorithms developed to predict the effect of sequence changes on RNA splicing suggest that this variant may create or strengthen a splice site. This variant has not been reported in the literature in individuals affected with DUOX2-related conditions. This variant is not present in population databases (gnomAD no frequency).

Literature cited by the submitters: PubMed 12110737; PubMed 18765513; PubMed 21565790; PubMed 24423310; PubMed 24735383.

NM_001363711.2(DUOX2):c.1585A>T (p.Lys529Ter)

Gene: DUOX2 (dual oxidase 2; minus strand). Cytogenetic location: 15q21.1.
Variant type: single nucleotide variant.
Coding change: c.1585A>T on transcript NM_001363711.2 (MANE Select); coding-DNA position 1585, A replaced by T.
Protein change: p.Lys529Ter; replaces lysine 529 with a stop codon.
Molecular consequence: nonsense.
Genome position (GRCh38, 1-based): chr15:45,107,453, T>A on the plus strand (A>T on the coding strand, the complement: DUOX2 is on the minus strand). VCF-style: chr15-45107453-T-A. GRCh37 (hg19) VCF-style: chr15-45399651-T-A.
Other names: c.1585A>T, p.Lys529Ter (NM_014080.5); short protein forms K529*.
Identifiers: ClinVar variation 2838010 (VCV002838010.3), dbSNP rs932403379, ClinGen allele CA270130265.